The following is an entry in ClinVar:

ClinVar aggregate classification (germline): Benign. Review status: criteria provided, multiple submitters, no conflicts (2 of 4 stars). 9 submissions from 8 submitters: Benign (7). 2 of the submissions do not count toward it. Last evaluated 2026-02-01.

Conditions:
Frontonasal dysplasia with alopecia and genital anomaly. Identifiers: Orphanet 228390, MedGen C3150703, MONDO:0013268, OMIM 613451.
Parietal foramina 2 (PFM2). Identifiers: Orphanet 60015, MedGen C1865044, MONDO:0012309, OMIM 609597.

Allele frequency attached by ClinVar (database versions not stated): ESP Exome Variant Server 0.99123; 1000 Genomes Project 0.99161; TOPMed 0.99162; 1000 Genomes Project 30x 0.99219; gnomAD 0.99242.
gnomAD v4.1: 1,611,834 of 1,614,170 alleles (100%); highest among the groups gnomAD compares: East Asian, 100%; 804,777 homozygotes.

Submissions (9):

Labcorp Genetics (formerly Invitae), Labcorp
Classification: Benign. Last evaluated: 2026-02-01. Review status: criteria provided, single submitter. Criteria: Invitae Variant Classification Sherloc (09022015). Collection method: clinical testing. Allele origin: germline.

Blueprint Genetics
Classification: Benign. Last evaluated: 2024-11-27. Review status: criteria provided, single submitter. Criteria: ACMG Guidelines, 2015. Collection method: clinical testing. Allele origin: germline.

Genome-Nilou Lab
Classification: Benign for Frontonasal dysplasia with alopecia and genital anomaly. Last evaluated: 2021-07-14. Review status: criteria provided, single submitter. Criteria: ACMG Guidelines, 2015. Collection method: clinical testing. Allele origin: germline. Affected: no.

Genome-Nilou Lab
Classification: Benign for Parietal foramina 2. Last evaluated: 2021-07-14. Review status: criteria provided, single submitter. Criteria: ACMG Guidelines, 2015. Collection method: clinical testing. Allele origin: germline. Affected: no.

GeneDx
Classification: Benign. Last evaluated: 2018-10-16. Review status: criteria provided, single submitter. Criteria: GeneDx Variant Classification Process June 2021. Collection method: clinical testing. Allele origin: germline. Affected: yes.

Illumina Laboratory Services, Illumina
Classification: Benign for Parietal foramina 2. Last evaluated: 2018-01-12. Review status: criteria provided, single submitter. Criteria: ICSL Variant Classification Criteria 13 December 2019. Collection method: clinical testing. Allele origin: germline.
Comment: This variant was observed in the ICSL laboratory as part of a predisposition screen in an ostensibly healthy population. It had not been previously curated by ICSL or reported in the Human Gene Mutation Database (HGMD: prior to June 1st, 2018), and was therefore a candidate for classification through an automated scoring system. Utilizing variant allele frequency, disease prevalence and penetrance estimates, and inheritance mode, an automated score was calculated to assess if this variant is too frequent to cause the disease. Based on the score and internal cut-off values, a variant classified as benign is not then subjected to further curation. The score for this variant resulted in a classification of benign for this disease.

Breakthrough Genomics
Classification: Benign. Review status: criteria provided, single submitter. Criteria: ACMG Guidelines, 2015. Collection method: not provided. Allele origin: germline. Inheritance: Autosomal recessive inheritance. Affected: yes.

Clinical Genetics DNA and cytogenetics Diagnostics Lab, Erasmus MC, Erasmus Medical Center
Classification: Benign. Review status: no assertion criteria provided. Collection method: clinical testing. Allele origin: germline. Affected: yes. Study: VKGL Data-share Consensus. Not counted in ClinVar's aggregate classification.

Diagnostic Laboratory, Department of Genetics, University Medical Center Groningen
Classification: Benign. Review status: no assertion criteria provided. Collection method: clinical testing. Allele origin: germline. Affected: yes. Study: VKGL Data-share Consensus. Not counted in ClinVar's aggregate classification.

NM_021926.4(ALX4):c.621A>G (p.Ser207=)

Gene: ALX4 (ALX homeobox 4; minus strand). Cytogenetic location: 11p11.2.
Variant type: single nucleotide variant.
Coding change: c.621A>G on transcript NM_021926.4 (MANE Select); coding-DNA position 621, A replaced by G.
Protein change: p.Ser207=; no amino-acid change (serine 207 retained).
Molecular consequence: synonymous variant.
Genome position (GRCh38, 1-based): chr11:44,275,504, T>C on the plus strand (A>G on the coding strand, the complement: ALX4 is on the minus strand). VCF-style: chr11-44275504-T-C. GRCh37 (hg19) VCF-style: chr11-44297054-T-C.
Other names: c.621A>G, p.Ser207= (LRG_1256t1).
Identifiers: ClinVar variation 304706 (VCV000304706.22), dbSNP rs10769028, ClinGen allele CA5955689.